The following is an entry in ClinVar:

ClinVar aggregate classification (germline): Uncertain significance. Review status: criteria provided, multiple submitters, no conflicts (2 of 4 stars). 2 submissions from 2 submitters: Uncertain significance (2). Last evaluated 2025-11-25.

Conditions:
Xeroderma pigmentosum (XP). Identifiers: Orphanet 910, MedGen C0043346, MONDO:0019600.

Allele frequency attached by ClinVar (database versions not stated): gnomAD exomes 0.00002 and 0.00001; gnomAD 0.00003 and 0.00002; TOPMed 0.00001.
gnomAD v4.1: 18 of 1,609,106 alleles (0.0011%); highest among the groups gnomAD compares: Non-Finnish European, 0.0014%; no homozygotes.

Submissions (2):

Women's Health and Genetics/Laboratory Corporation of America, LabCorp
Classification: Uncertain significance. Last evaluated: 2025-11-25. Review status: criteria provided, single submitter. Criteria: LabCorp Variant Classification Summary - May 2015. Collection method: clinical testing. Allele origin: germline.

Sema4
Classification: Uncertain significance for Xeroderma pigmentosum. Last evaluated: 2021-11-12. Review status: criteria provided, single submitter. Criteria: Sema4 Curation Guidelines. Collection method: curation. Allele origin: germline.
Comment: The ERCC2 c.1479+3G>A variant has not been reported in the literature to our knowledge. This variant was observed in 7/127946 chromosomes in the Non-Finnish European population according to the Genome Aggregation Database (PMID: 32461654). This variant has not been reported in ClinVar. Algorithms developed to predict the effect of sequence changes on RNA splicing do not suggest negative effect, though these predictions have not been confirmed by functional studies. The evidence is insufficient to meet ACMG/AMP criteria for classifying the variant as benign or pathogenic. Thus, the clinical significance of this variant is currently uncertain.

NM_000400.4(ERCC2):c.1479+3G>A

Gene: ERCC2 (ERCC excision repair 2, TFIIH core complex helicase subunit; minus strand). Cytogenetic location: 19q13.32.
Variant type: single nucleotide variant.
Coding change: c.1479+3G>A on transcript NM_000400.4 (MANE Select); 3 bases into the intron after coding-DNA position 1479, G replaced by A.
Molecular consequence: intron variant.
Genome position (GRCh38, 1-based): chr19:45,357,267, C>T on the plus strand (G>A on the coding strand, the complement: ERCC2 is on the minus strand). VCF-style: chr19-45357267-C-T. GRCh37 (hg19) VCF-style: chr19-45860525-C-T.
Identifiers: ClinVar variation 1692427 (VCV001692427.2), dbSNP rs929447513, ClinGen allele CA308958863.